The following is an entry in ClinVar:

ClinVar aggregate classification (germline): Uncertain significance. Review status: criteria provided, multiple submitters, no conflicts (2 of 4 stars). 3 submissions from 3 submitters: Uncertain significance (3). Last evaluated 2025-04-02.

Conditions:
Hereditary breast ovarian cancer syndrome. Also called: Hereditary breast and ovarian cancer syndrome; Breast and ovarian cancer; Hereditary breast and/or ovarian cancer syndrome; Hereditary breast and ovarian cancer; BRCA1- and BRCA2-Associated Hereditary Breast and Ovarian Cancer; Hereditary breast and ovarian cancer syndrome (HBOC). Identifiers: Orphanet 145, MedGen C0677776, MeSH D061325, MONDO:0003582. Disease mechanism: loss of function.

Submissions (3):

Labcorp Genetics (formerly Invitae), Labcorp
Classification: Uncertain significance for Hereditary breast ovarian cancer syndrome. Last evaluated: 2025-04-02. Review status: criteria provided, single submitter. Criteria: Invitae Variant Classification Sherloc (09022015). Collection method: clinical testing. Allele origin: germline.
Comment: This sequence change replaces serine, which is neutral and polar, with alanine, which is neutral and non-polar, at codon 1596 of the BRCA1 protein (p.Ser1596Ala). This variant is not present in population databases (gnomAD no frequency). This variant has not been reported in the literature in individuals affected with BRCA1-related conditions. ClinVar contains an entry for this variant (Variation ID: 851302). Invitae Evidence Modeling of protein sequence and biophysical properties (such as structural, functional, and spatial information, amino acid conservation, physicochemical variation, residue mobility, and thermodynamic stability) indicates that this missense variant is not expected to disrupt BRCA1 protein function with a negative predictive value of 95%. In summary, the available evidence is currently insufficient to determine the role of this variant in disease. Therefore, it has been classified as a Variant of Uncertain Significance.

Women's Health and Genetics/Laboratory Corporation of America, LabCorp
Classification: Uncertain significance. Last evaluated: 2024-02-05. Review status: criteria provided, single submitter. Criteria: LabCorp Variant Classification Summary - May 2015. Collection method: clinical testing. Allele origin: germline.

Clinical Genetics Laboratory, Skane University Hospital Lund
Classification: Uncertain significance. Last evaluated: 2022-10-31. Review status: criteria provided, single submitter. Criteria: ACMG Guidelines, 2015. Collection method: clinical testing. Allele origin: germline. Affected: yes.

NM_007294.4(BRCA1):c.4786T>G (p.Ser1596Ala)

Gene: BRCA1 (BRCA1 DNA repair associated; minus strand). Cytogenetic location: 17q21.31.
Variant type: single nucleotide variant.
Coding change: c.4786T>G on transcript NM_007294.4 (MANE Select); coding-DNA position 4786, T replaced by G.
Protein change: p.Ser1596Ala; replaces serine 1596 with alanine.
Molecular consequence: missense variant. On other transcripts: non-coding transcript variant (1).
Genome position (GRCh38, 1-based): chr17:43,071,128, A>C on the plus strand (T>G on the coding strand, the complement: BRCA1 is on the minus strand). VCF-style: chr17-43071128-A-C. GRCh37 (hg19) VCF-style: chr17-41223145-A-C.
Other names: c.1351T>G, p.Ser451Ala (NM_001408433.1, NM_001408434.1, NM_001408435.1 and 10 more transcripts); c.1348T>G, p.Ser450Ala (NM_001408445.1, NM_001408446.1, NM_001408447.1 and 2 more transcripts); c.1342T>G, p.Ser448Ala (NM_001408451.1); c.1336T>G, p.Ser446Ala (NM_001408452.1, NM_001408453.1, NM_001408454.1 and 3 more transcripts); c.1333T>G, p.Ser445Ala (NM_001408458.1, NM_001408459.1, NM_001408460.1 and 7 more transcripts); c.4573T>G, p.Ser1525Ala (NM_001407571.1, NM_001407894.1, NM_001407895.1 and 12 more transcripts); c.4852T>G, p.Ser1618Ala (NM_001407581.1, NM_001407582.1); c.4849T>G, p.Ser1617Ala (NM_001407583.1, NM_001407585.1, NM_001407587.1 and 1 more transcripts); and 70 more; short protein forms S1617A, S492A, S1549A, S1596A, S1467A, S1485A, S1506A, S1507A.
Identifiers: ClinVar variation 851302 (VCV000851302.13), dbSNP rs2052408436, ClinGen allele CA10591943.